The following is an entry in ClinVar:

NM_004629.2(FANCG):c.1444C>G (p.Leu482Val)

Gene: FANCG (FA complementation group G; minus strand). Cytogenetic location: 9p13.3.
Variant type: single nucleotide variant.
Coding change: c.1444C>G on transcript NM_004629.2 (MANE Select); coding-DNA position 1444, C replaced by G.
Protein change: p.Leu482Val; replaces leucine 482 with valine.
Molecular consequence: missense variant.
Genome position (GRCh38, 1-based): chr9:35,075,315, G>C on the plus strand (C>G on the coding strand, the complement: FANCG is on the minus strand). VCF-style: chr9-35075315-G-C. GRCh37 (hg19) VCF-style: chr9-35075312-G-C.
Other names: short protein forms L482V.
Identifiers: ClinVar variation 4022476 (VCV004022476.1).
Genomic context (GRCh38, chr9:35,075,315, plus strand): 5'-AGGAAAACTGAAAGTTTAGATCACCTTGTTCTTTTTCCTCAGGTGTGGCCCGGAAGAGCA[G>C]CTCGAGGCACCTGAAGTAGGACACAGAACAGGGGTGAAGAGGAATCAATTTCAGAAACTC-3'
Protein context (NP_004620.1, residues 472-492): AISEFSRCLE[Leu482Val]LFRATPEEKE

ClinVar aggregate classification (germline): Uncertain significance (1 of 4 stars; one submission).

Conditions:
Inborn genetic diseases. Identifiers: MedGen C0950123, MeSH D030342.

gnomAD v4.1: 1 of 1,614,138 alleles (0.000062%); highest among the groups gnomAD compares: Non-Finnish European, 0.000085%; no homozygotes.

Submission:

Ambry Genetics
Classification: Uncertain significance for Inborn genetic diseases. Last evaluated: 2025-04-04. Review status: criteria provided, single submitter. Criteria: Ambry Variant Classification Scheme 2023. Collection method: clinical testing. Allele origin: germline.
Comment: The p.L482V variant (also known as c.1444C>G), located in coding exon 11 of the FANCG gene, results from a C to G substitution at nucleotide position 1444. The leucine at codon 482 is replaced by valine, an amino acid with highly similar properties. This amino acid position is conserved. In addition, this alteration is predicted to be tolerated by in silico analysis. Based on the available evidence, the clinical significance of this variant remains unclear.